The following is an entry in ClinVar:

NM_000059.4(BRCA2):c.9497T>C (p.Val3166Ala)

Gene: BRCA2 (BRCA2 DNA repair associated; plus strand). Cytogenetic location: 13q13.1.
Variant type: single nucleotide variant.
Coding change: c.9497T>C on transcript NM_000059.4 (MANE Select); coding-DNA position 9497, T replaced by C.
Protein change: p.Val3166Ala; replaces valine 3166 with alanine.
Molecular consequence: missense variant.
Genome position (GRCh38, 1-based): chr13:32,394,929, T>C. VCF-style: chr13-32394929-T-C. GRCh37 (hg19) VCF-style: chr13-32969066-T-C.
Other names: short protein forms V3166A.
Identifiers: ClinVar variation 230708 (VCV000230708.12), dbSNP rs876658721, ClinGen allele CA10579834.

ClinVar aggregate classification (germline): Conflicting classifications of pathogenicity. Review status: criteria provided, conflicting classifications (1 of 4 stars). 3 submissions from 3 submitters: Uncertain significance (2); Likely benign (1). Last evaluated 2025-05-16.

Conditions:
Hereditary cancer-predisposing syndrome. Also called: Neoplastic Syndromes, Hereditary; Tumor predisposition; Hereditary Cancer Syndrome; Hereditary neoplastic syndrome. Identifiers: Orphanet 140162, MedGen C0027672, MeSH D009386, MONDO:0015356.
Hereditary breast ovarian cancer syndrome. Also called: BRCA1- and BRCA2-Associated Hereditary Breast and Ovarian Cancer; Hereditary breast and ovarian cancer syndrome; Hereditary breast and ovarian cancer; Hereditary breast and ovarian cancer syndrome (HBOC); Breast and ovarian cancer; Hereditary breast and/or ovarian cancer syndrome. Identifiers: Orphanet 145, MedGen C0677776, MeSH D061325, MONDO:0003582. Disease mechanism: loss of function.

Submissions (3):

Ambry Genetics
Classification: Likely benign for Hereditary cancer-predisposing syndrome. Last evaluated: 2025-05-16. Review status: criteria provided, single submitter. Criteria: Ambry Variant Classification Scheme 2023. Collection method: clinical testing. Allele origin: germline.

Labcorp Genetics (formerly Invitae), Labcorp
Classification: Uncertain significance for Hereditary breast ovarian cancer syndrome. Last evaluated: 2023-10-25. Review status: criteria provided, single submitter. Criteria: Invitae Variant Classification Sherloc (09022015). Collection method: clinical testing. Allele origin: germline.
Comment: This sequence change replaces valine, which is neutral and non-polar, with alanine, which is neutral and non-polar, at codon 3166 of the BRCA2 protein (p.Val3166Ala). This variant is not present in population databases (gnomAD no frequency). This variant has not been reported in the literature in individuals affected with BRCA2-related conditions. ClinVar contains an entry for this variant (Variation ID: 230708). Advanced modeling of protein sequence and biophysical properties (such as structural, functional, and spatial information, amino acid conservation, physicochemical variation, residue mobility, and thermodynamic stability) performed at Invitae indicates that this missense variant is not expected to disrupt BRCA2 protein function with a negative predictive value of 95%. In summary, the available evidence is currently insufficient to determine the role of this variant in disease. Therefore, it has been classified as a Variant of Uncertain Significance.

Color Diagnostics, LLC DBA Color Health
Classification: Uncertain significance for Hereditary cancer-predisposing syndrome. Last evaluated: 2020-04-07. Review status: criteria provided, single submitter. Criteria: ACMG Guidelines, 2015. Collection method: clinical testing. Allele origin: germline.
Comment: This missense variant replaces valine with alanine at codon 3166 of the BRCA2 protein. Computational prediction is inconclusive regarding the impact of this variant on protein structure and function (internally defined REVEL score threshold 0.5 < inconclusive < 0.7, PMID: 27666373). To our knowledge, functional studies have not been reported for this variant. This variant has not been reported in individuals affected with hereditary cancer in the literature. This variant has not been identified in the general population by the Genome Aggregation Database (gnomAD). The available evidence is insufficient to determine the role of this variant in disease conclusively. Therefore, this variant is classified as a Variant of Uncertain Significance.